The following is an entry in ClinVar:

ClinVar aggregate classification (germline): Pathogenic (1 of 4 stars; one submission).

Conditions:
Nemaline myopathy 2 (NEM2). Also called: Nemaline myopathy 2, autosomal recessive. Identifiers: MedGen C1850569, MONDO:0009725, OMIM 256030.

Submission:

Labcorp Genetics (formerly Invitae), Labcorp
Classification: Pathogenic for Nemaline myopathy 2. Last evaluated: 2022-01-26. Review status: criteria provided, single submitter. Criteria: Invitae Variant Classification Sherloc (09022015). Collection method: clinical testing. Allele origin: germline.
Comment: This sequence change creates a premature translational stop signal (p.Gln371Thrfs*3) in the NEB gene. It is expected to result in an absent or disrupted protein product. Loss-of-function variants in NEB are known to be pathogenic (PMID: 25205138). This variant is not present in population databases (gnomAD no frequency). This variant has not been reported in the literature in individuals affected with NEB-related conditions. For these reasons, this variant has been classified as Pathogenic.

Literature cited by the submitters: PubMed 25205138.

NM_001164508.2(NEB):c.1109dup (p.Gln371fs)

Gene: NEB (nebulin; minus strand). Cytogenetic location: 2q23.3.
Variant type: Duplication.
Coding change: c.1109dup on transcript NM_001164508.2 (MANE Select); coding-DNA position 1109, one base duplicated (C; older notation c.1109dupC).
Protein change: p.Gln371fs; shifts the reading frame from glutamine 371.
Molecular consequence: frameshift variant.
Genome position (GRCh38, 1-based): chr2:151,706,924, G duplicated on the plus strand (C on the coding strand, the reverse complement: NEB is on the minus strand); the first of 3 consecutive G bases (chr2:151,706,924-151,706,926); duplicating any one gives the same sequence. VCF-style (leftmost placement, unchanged base first): chr2-151706923-T-TG. GRCh37 (hg19) VCF-style: chr2-152563437-T-TG.
Other names: c.1109dup, p.Gln371fs (NM_001164507.2, NM_001271208.2, NM_004543.5); short protein forms Q371fs.
Identifiers: ClinVar variation 2089993 (VCV002089993.4), dbSNP rs2552273392, ClinGen allele CA2580064023.